The following is an entry in ClinVar:

NM_018974.4(UNC93A):c.1218C>T (p.Cys406=)

Gene: UNC93A (unc-93 homolog A; plus strand). Cytogenetic location: 6q27.
Variant type: single nucleotide variant.
Coding change: c.1218C>T on transcript NM_018974.4 (MANE Select); coding-DNA position 1218, C replaced by T.
Protein change: p.Cys406=; no amino-acid change (cysteine 406 retained).
Molecular consequence: synonymous variant.
Genome position (GRCh38, 1-based): chr6:167,315,296, C>T. VCF-style: chr6-167315296-C-T. GRCh37 (hg19) VCF-style: chr6-167728784-C-T.
Other names: c.1092C>T, p.Cys364= (NM_001143947.2).
Identifiers: ClinVar variation 2657130 (VCV002657130.24), dbSNP rs112580447, ClinGen allele CA4097108.

ClinVar aggregate classification (germline): Likely benign (1 of 4 stars; one submission).

Allele frequency attached by ClinVar (database versions not stated): ExAC 0.00003; gnomAD 0.00004; TOPMed 0.00011.
gnomAD v4.1: 71 of 1,613,474 alleles (0.0044%); highest among the groups gnomAD compares: African/African-American, 0.013%; no homozygotes.

Submission:

CeGaT Center for Human Genetics Tuebingen
Classification: Likely benign. Last evaluated: 2022-03-01. Review status: criteria provided, single submitter. Criteria: CeGaT Center For Human Genetics Tuebingen Variant Classification Criteria Version 2. Collection method: clinical testing. Allele origin: germline. Affected: yes. Observed: 1 variant allele.
Comment: UNC93A: BP4, BP7